The following is an entry in ClinVar:

ClinVar aggregate classification (germline): Uncertain significance (1 of 4 stars; one submission).

Conditions:
Congenital hypothyroidism. Identifiers: Orphanet 442, MedGen C0010308, MONDO:0018612, HP:0000851.

gnomAD v4.1: 138 of 1,602,224 alleles (0.0086%); highest among the groups gnomAD compares: Non-Finnish European, 0.011%; no homozygotes.

Submission:

Cambridge Genomics Laboratory, East Genomic Laboratory Hub, NHS Genomic Medicine Service
Classification: Uncertain significance for Congenital hypothyroidism. Last evaluated: 2024-11-14. Review status: criteria provided, single submitter. Criteria: ACGS Best Practice Guidelines for Variant Classification in Rare Disease 2020. Collection method: clinical testing. Allele origin: germline. Affected: yes.
Comment: PM2

NM_052832.4(SLC26A7):c.1646T>C (p.Leu549Pro)

Gene: SLC26A7 (solute carrier family 26 member 7; plus strand). Cytogenetic location: 8q21.3.
Variant type: single nucleotide variant.
Coding change: c.1646T>C on transcript NM_052832.4 (MANE Select); coding-DNA position 1646, T replaced by C.
Protein change: p.Leu549Pro; replaces leucine 549 with proline.
Molecular consequence: missense variant.
Genome position (GRCh38, 1-based): chr8:91,369,804, T>C. VCF-style: chr8-91369804-T-C. GRCh37 (hg19) VCF-style: chr8-92382032-T-C.
Other names: c.1646T>C, p.Leu549Pro (NM_001282356.2, NM_134266.2); c.743T>C, p.Leu248Pro (NM_001282357.2); short protein forms L248P, L549P.
Identifiers: ClinVar variation 4682132 (VCV004682132.1).